The following is an entry in ClinVar:

ClinVar aggregate classification (germline): Benign. Review status: criteria provided, multiple submitters, no conflicts (2 of 4 stars). 3 submissions from 3 submitters: Benign (3). Last evaluated 2021-07-30.

Conditions:
Osteogenesis imperfecta type 7 (OI7). Also called: OSTEOGENESIS IMPERFECTA, TYPE IIB; Osteogenesis imperfecta type 2B; OI type 2B; Osteogenesis imperfecta, perinatal lethal autosomal recessive; OI type IIB; OI type 7. Identifiers: MedGen C1853162, MONDO:0012536, OMIM 610682.

Allele frequency attached by ClinVar (database versions not stated): TOPMed 0.84402; gnomAD exomes 0.84482; ExAC 0.84907; ESP Exome Variant Server 0.85453; gnomAD 0.86128; 1000 Genomes Project 30x 0.87039; 1000 Genomes Project 0.87380.
gnomAD v4.1: 1,129,349 of 1,348,970 alleles (84%); highest among the groups gnomAD compares: East Asian, 97%; 473,724 homozygotes.

Submissions (3):

Genome-Nilou Lab
Classification: Benign for Osteogenesis imperfecta type 7. Last evaluated: 2021-07-30. Review status: criteria provided, single submitter. Criteria: ACMG Guidelines, 2015. Collection method: clinical testing. Allele origin: germline. Affected: no.

GeneDx
Classification: Benign. Last evaluated: 2018-06-19. Review status: criteria provided, single submitter. Criteria: GeneDx Variant Classification (06012015). Collection method: clinical testing. Allele origin: germline. Affected: yes.
Comment: This variant is considered likely benign or benign based on one or more of the following criteria: it is a conservative change, it occurs at a poorly conserved position in the protein, it is predicted to be benign by multiple in silico algorithms, and/or has population frequency not consistent with disease.

Breakthrough Genomics
Classification: Benign. Review status: criteria provided, single submitter. Criteria: ACMG Guidelines, 2015. Collection method: not provided. Allele origin: germline. Inheritance: Autosomal recessive inheritance. Affected: yes.

NM_006371.5(CRTAP):c.1152+36C>A

Genes: CRTAP (cartilage associated protein; plus strand), LOC129936439 (ATAC-STARR-seq lymphoblastoid active region 19647; plus strand). Cytogenetic location: 3p22.3.
Variant type: single nucleotide variant.
Coding change: c.1152+36C>A on transcript NM_006371.5 (MANE Select); 36 bases into the intron after coding-DNA position 1152, C replaced by A.
Molecular consequence: intron variant.
Genome position (GRCh38, 1-based): chr3:33,134,301, C>A. VCF-style: chr3-33134301-C-A. GRCh37 (hg19) VCF-style: chr3-33175793-C-A.
Other names: c.1068+1601C>A (NM_001393363.1); c.1023+36C>A (NM_001393364.1); c.1002+36C>A (NM_001393365.1).
Identifiers: ClinVar variation 674864 (VCV000674864.5), dbSNP rs4234239, ClinGen allele CA2300509.
Genomic context (GRCh38, chr3:33,134,301, plus strand): 5'-GGAAAATATAATGGATGATGATGAGGTAAGTTTTCATGCTTAGCACATGTCTGGTGGCTA[C>A]GAGAAAATATTACTCACATCTTTGCTAGAATCACTGGAAGGCTGAGTCCTCCCTGAAGTA-3'